The following is an entry in ClinVar:

ClinVar aggregate classification (germline): Uncertain significance. Review status: criteria provided, multiple submitters, no conflicts (2 of 4 stars). 3 submissions from 3 submitters: Uncertain significance (2). 1 of the submissions does not count toward it. Last evaluated 2026-08-12.

Conditions:
Neurometabolic disorder due to serine deficiency. Identifiers: Orphanet 35705, MedGen C5680148, MONDO:0018162.
PHGDH deficiency. Identifiers: Orphanet 79351, MedGen C1866174, MONDO:0011152, OMIM 601815.

Allele frequency attached by ClinVar (database versions not stated): TOPMed below 0.00001; gnomAD exomes 0.00001.
gnomAD v4.1: 16 of 1,613,824 alleles (0.00099%); highest among the groups gnomAD compares: Non-Finnish European, 0.0014%; no homozygotes.

Submissions (3):

Myriad Genetics, Inc.
Classification: Uncertain significance for Neurometabolic disorder due to serine deficiency. Last evaluated: 2026-08-12. Review status: criteria provided, single submitter. Criteria: Myriad Autosomal Dominant, Autosomal Recessive and X-Linked Classification Criteria (2023). Collection method: clinical testing. Allele origin: unknown.
Comment: NM_006623.3(PHGDH):c.764C>T(A255V) is a missense variant classified as a variant of uncertain significance in the context of serine deficiency disorder, PHGDH-related. A255V has not been observed in cases with relevant disease. Relevant functional assessments of this variant are not available in the literature. A255V has not been observed in referenced population frequency databases. In summary, there is insufficient evidence to classify NM_006623.3(PHGDH):c.764C>T(A255V) as pathogenic or benign. Please note: this variant was assessed in the context of healthy population screening.

Labcorp Genetics (formerly Invitae), Labcorp
Classification: Uncertain significance for PHGDH deficiency. Last evaluated: 2022-04-09. Review status: criteria provided, single submitter. Criteria: Invitae Variant Classification Sherloc (09022015). Collection method: clinical testing. Allele origin: germline.
Comment: This sequence change replaces alanine, which is neutral and non-polar, with valine, which is neutral and non-polar, at codon 255 of the PHGDH protein (p.Ala255Val). This variant is not present in population databases (gnomAD no frequency). This variant has not been reported in the literature in individuals affected with PHGDH-related conditions. ClinVar contains an entry for this variant (Variation ID: 659267). Algorithms developed to predict the effect of missense changes on protein structure and function are either unavailable or do not agree on the potential impact of this missense change (SIFT: "Deleterious"; PolyPhen-2: "Benign"; Align-GVGD: "Class C0"). In summary, the available evidence is currently insufficient to determine the role of this variant in disease. Therefore, it has been classified as a Variant of Uncertain Significance.

Natera, Inc.
Classification: Uncertain significance for Phosphoglycerate dehydrogenase deficiency. Last evaluated: 2021-09-27. Review status: no assertion criteria provided. Collection method: clinical testing. Allele origin: germline. Not counted in ClinVar's aggregate classification.

NM_006623.4(PHGDH):c.764C>T (p.Ala255Val)

Gene: PHGDH (phosphoglycerate dehydrogenase; plus strand). Cytogenetic location: 1p12.
Variant type: single nucleotide variant.
Coding change: c.764C>T on transcript NM_006623.4 (MANE Select); coding-DNA position 764, C replaced by T.
Protein change: p.Ala255Val; replaces alanine 255 with valine.
Molecular consequence: missense variant.
Genome position (GRCh38, 1-based): chr1:119,735,415, C>T. VCF-style: chr1-119735415-C-T. GRCh37 (hg19) VCF-style: chr1-120278038-C-T.
Other names: short protein forms A255V.
Identifiers: ClinVar variation 659267 (VCV000659267.8), dbSNP rs1571010631, ClinGen allele CA341850393.
Genomic context (GRCh38, chr1:119,735,415, plus strand): 5'-CCCGTGGAGGGATCGTGGACGAAGGCGCCCTGCTCCGGGCCCTGCAGTCTGGCCAGTGTG[C>T]CGGGGCTGCACTGGACGTGTTTACGGAAGTAAGTGCCTGGCAGCCTCAGCGTCAGGAGGA-3'
Protein context (NP_006614.2, residues 245-265): LLRALQSGQC[Ala255Val]GAALDVFTEE